The following is an entry in ClinVar:

NM_001040142.2(SCN2A):c.3694A>G (p.Ile1232Val)

Gene: SCN2A (sodium voltage-gated channel alpha subunit 2; plus strand). Cytogenetic location: 2q24.3.
Variant type: single nucleotide variant.
Coding change: c.3694A>G on transcript NM_001040142.2 (MANE Select); coding-DNA position 3694, A replaced by G.
Protein change: p.Ile1232Val; replaces isoleucine 1232 with valine.
Molecular consequence: missense variant.
Genome position (GRCh38, 1-based): chr2:165,370,144, A>G. VCF-style: chr2-165370144-A-G. GRCh37 (hg19) VCF-style: chr2-166226654-A-G.
Other names: c.3694A>G, p.Ile1232Val (NM_001040143.2, NM_001371246.1, NM_001371247.1 and 1 more transcripts); short protein forms I1232V.
Identifiers: ClinVar variation 1915711 (VCV001915711.5), dbSNP rs2468081833, ClinGen allele CA349027551.

ClinVar aggregate classification (germline): Uncertain significance (1 of 4 stars; one submission).

Conditions:
Seizures, benign familial infantile, 3 (BFIS3). Also called: CONVULSIONS, BENIGN FAMILIAL INFANTILE, 3; Familial neonatal seizures. Identifiers: Orphanet 140927, Orphanet 306, MedGen C1843140, MONDO:0011904, OMIM 607745.
Developmental and epileptic encephalopathy, 11 (DEE11). Also called: Early infantile epileptic encephalopathy 11. Identifiers: Orphanet 1934, MedGen C3150987, MONDO:0013388, OMIM 613721.

Submission:

Labcorp Genetics (formerly Invitae), Labcorp
Classification: Uncertain significance for Seizures, benign familial infantile, 3; Developmental and epileptic encephalopathy, 11. Last evaluated: 2022-05-08. Review status: criteria provided, single submitter. Criteria: Invitae Variant Classification Sherloc (09022015). Collection method: clinical testing. Allele origin: germline.
Comment: Algorithms developed to predict the effect of missense changes on protein structure and function are either unavailable or do not agree on the potential impact of this missense change (SIFT: "Deleterious"; PolyPhen-2: "Benign"; Align-GVGD: "Class C0"). In summary, the available evidence is currently insufficient to determine the role of this variant in disease. Therefore, it has been classified as a Variant of Uncertain Significance. This variant has not been reported in the literature in individuals affected with SCN2A-related conditions. This variant is not present in population databases (gnomAD no frequency). This sequence change replaces isoleucine, which is neutral and non-polar, with valine, which is neutral and non-polar, at codon 1232 of the SCN2A protein (p.Ile1232Val).